The following is an entry in ClinVar:

ClinVar aggregate classification (germline): Uncertain significance (1 of 4 stars; one submission).

Conditions:
Muscular dystrophy, limb-girdle, autosomal dominant 4. Also called: MUSCULAR DYSTROPHY, LIMB-GIRDLE, TYPE 1I; Calpain-3-related limb-girdle muscular dystrophy D4. Identifiers: Orphanet 565909, MedGen C4748295, MONDO:0029133, OMIM 618129.

gnomAD v4.1: 1 of 1,611,856 alleles (0.000062%); no homozygotes.

Submission:

Kariminejad - Najmabadi Pathology & Genetics Center
Classification: Uncertain significance for Muscular dystrophy, limb-girdle, autosomal dominant 4. Last evaluated: 2020-05-11. Review status: criteria provided, single submitter. Criteria: ACMG Guidelines, 2015. Collection method: clinical testing. Allele origin: germline. Inheritance: Autosomal recessive inheritance. Affected: yes.
Comment: PM1, PM2, PP2, PP3

NM_000070.3(CAPN3):c.2111T>C (p.Met704Thr)

Gene: CAPN3 (calpain 3; plus strand). Cytogenetic location: 15q15.1.
Variant type: single nucleotide variant.
Coding change: c.2111T>C on transcript NM_000070.3 (MANE Select); coding-DNA position 2111, T replaced by C.
Protein change: p.Met704Thr; replaces methionine 704 with threonine.
Molecular consequence: missense variant.
Genome position (GRCh38, 1-based): chr15:42,409,991, T>C. VCF-style: chr15-42409991-T-C. GRCh37 (hg19) VCF-style: chr15-42702189-T-C.
Other names: c.2093T>C, p.Met698Thr (NM_024344.2); c.1835T>C, p.Met612Thr (NM_173087.2); c.575T>C, p.Met192Thr (NM_173088.2); c.116T>C, p.Met39Thr (NM_173089.2, NM_173090.2); short protein forms M192T, M39T, M612T, M698T, M704T.
Identifiers: ClinVar variation 3896797 (VCV003896797.1).